The following is an entry in ClinVar:

NM_015459.5(ATL3):c.1556G>A (p.Gly519Asp)

Genes: ATL3 (atlastin GTPase 3; minus strand), LNCROPM (lncRNA regulator of PLAAT3 mediated phospholipid metabolism; plus strand). Cytogenetic location: 11q13.1.
Variant type: single nucleotide variant.
Coding change: c.1556G>A on transcript NM_015459.5 (MANE Select); coding-DNA position 1556, G replaced by A.
Protein change: p.Gly519Asp; replaces glycine 519 with aspartic acid.
Molecular consequence: missense variant.
Genome position (GRCh38, 1-based): chr11:63,629,389, C>T on the plus strand (G>A on the coding strand, the complement: ATL3 is on the minus strand). VCF-style: chr11-63629389-C-T. GRCh37 (hg19) VCF-style: chr11-63396861-C-T.
Other names: c.1502G>A, p.Gly501Asp (NM_001290048.2); short protein forms G501D, G519D.
Identifiers: ClinVar variation 1063757 (VCV001063757.7), dbSNP rs372124625, ClinGen allele CA6063475.
Genomic context (GRCh38, chr11:63,629,389, plus strand): 5'-TTTTTATCCATGGATGGTCTTCCAACAACTGCATCCCTCACAGTGGCCTGAGTGGAATTA[C>T]CGATATGAGAAGAAGCCTGCAAAAGTCCATTTATTCAACATATAAGTTAATAAAATACAA-3'
Protein context (NP_056274.3, residues 509-529): YVLEQASSHI[Gly519Asp]NSTQATVRDA

ClinVar aggregate classification (germline): Uncertain significance (1 of 4 stars; one submission).

Conditions:
Neuropathy, hereditary sensory, type 1F. Also called: Hereditary sensory neuropathy type IF; HSN IF. Identifiers: Orphanet 36386, MedGen C3810194, MONDO:0014286, OMIM 615632.

Allele frequency attached by ClinVar (database versions not stated): gnomAD 0.00001; gnomAD exomes 0.00001; ExAC 0.00002; TOPMed 0.00002; ESP Exome Variant Server 0.00008.
gnomAD v4.1: 1 of 1,613,952 alleles (0.000062%); highest among the groups gnomAD compares: African/African-American, 0.0013%; no homozygotes.

Submission:

Labcorp Genetics (formerly Invitae), Labcorp
Classification: Uncertain significance for Neuropathy, hereditary sensory, type 1F. Last evaluated: 2024-06-18. Review status: criteria provided, single submitter. Criteria: Invitae Variant Classification Sherloc (09022015). Collection method: clinical testing. Allele origin: germline.
Comment: This sequence change replaces glycine, which is neutral and non-polar, with aspartic acid, which is acidic and polar, at codon 519 of the ATL3 protein (p.Gly519Asp). This variant is present in population databases (rs372124625, gnomAD 0.01%). This variant has not been reported in the literature in individuals affected with ATL3-related conditions. ClinVar contains an entry for this variant (Variation ID: 1063757). An algorithm developed to predict the effect of missense changes on protein structure and function (PolyPhen-2) suggests that this variant is likely to be tolerated. In summary, the available evidence is currently insufficient to determine the role of this variant in disease. Therefore, it has been classified as a Variant of Uncertain Significance.